The following is an entry in ClinVar:

NM_182961.4(SYNE1):c.14565G>C (p.Arg4855Ser)

Gene: SYNE1 (spectrin repeat containing nuclear envelope protein 1; minus strand). Cytogenetic location: 6q25.2.
Variant type: single nucleotide variant.
Coding change: c.14565G>C on transcript NM_182961.4 (MANE Select); coding-DNA position 14565, G replaced by C.
Protein change: p.Arg4855Ser; replaces arginine 4855 with serine.
Molecular consequence: missense variant.
Genome position (GRCh38, 1-based): chr6:152,330,120, C>G on the plus strand (G>C on the coding strand, the complement: SYNE1 is on the minus strand). VCF-style: chr6-152330120-C-G. GRCh37 (hg19) VCF-style: chr6-152651255-C-G.
Other names: c.14352G>C, p.Arg4784Ser (NM_033071.5); c.14352G>C (NM_033071.3); short protein forms R4784S, R4855S.
Identifiers: ClinVar variation 448555 (VCV000448555.9), dbSNP rs1237053788, ClinGen allele CA366097215.

ClinVar aggregate classification (germline): Uncertain significance. Review status: criteria provided, multiple submitters, no conflicts (2 of 4 stars). 4 submissions from 4 submitters: Uncertain significance (4). Last evaluated 2022-12-02.

Conditions:
Emery-Dreifuss muscular dystrophy 4, autosomal dominant (EDMD4). Also called: EMERY-DREIFUSS MUSCULAR DYSTROPHY 4 WITH VARIABLE FEATURES. Identifiers: Orphanet 261, MedGen C2751807, MONDO:0013071, OMIM 612998.
Autosomal recessive ataxia, Beauce type. Also called: Spinocerebellar ataxia, autosomal recessive 8; ATAXIA, RECESSIVE, OF BEAUCE; SYNE1-Related Autosomal Recessive Cerebellar Ataxia; SYNE1 Deficiency. Identifiers: Orphanet 88644, MedGen C1853116, MONDO:0012549, OMIM 610743.

Allele frequency attached by ClinVar (database versions not stated): gnomAD 0.00001.
gnomAD v4.1: 11 of 1,614,088 alleles (0.00068%); highest among the groups gnomAD compares: East Asian, 0.0022%; no homozygotes.

Submissions (4):

GeneDx
Classification: Uncertain significance. Last evaluated: 2022-12-02. Review status: criteria provided, single submitter. Criteria: GeneDx Variant Classification Process June 2021. Collection method: clinical testing. Allele origin: germline. Affected: yes.
Comment: Not observed at significant frequency in large population cohorts (gnomAD); In silico analysis supports that this missense variant does not alter protein structure/function; Has not been previously published as pathogenic or benign to our knowledge; This variant is associated with the following publications: (PMID: 31949146, 32579932)

Labcorp Genetics (formerly Invitae), Labcorp
Classification: Uncertain significance for Emery-Dreifuss muscular dystrophy 4, autosomal dominant; Autosomal recessive ataxia, Beauce type. Last evaluated: 2022-10-08. Review status: criteria provided, single submitter. Criteria: Invitae Variant Classification Sherloc (09022015). Collection method: clinical testing. Allele origin: germline.
Comment: This sequence change replaces arginine, which is basic and polar, with serine, which is neutral and polar, at codon 4784 of the SYNE1 protein (p.Arg4784Ser). In summary, the available evidence is currently insufficient to determine the role of this variant in disease. Therefore, it has been classified as a Variant of Uncertain Significance. Algorithms developed to predict the effect of missense changes on protein structure and function (SIFT, PolyPhen-2, Align-GVGD) all suggest that this variant is likely to be tolerated. ClinVar contains an entry for this variant (Variation ID: 448555). This variant has not been reported in the literature in individuals affected with SYNE1-related conditions. This variant is present in population databases (no rsID available, gnomAD no frequency).

Revvity Omics, Revvity
Classification: Uncertain significance. Last evaluated: 2022-08-19. Review status: criteria provided, single submitter. Criteria: ACMG Guidelines, 2015. Collection method: clinical testing. Allele origin: germline.

Athena Diagnostics
Classification: Uncertain significance. Last evaluated: 2017-03-30. Review status: criteria provided, single submitter. Criteria: Athena Diagnostics Criteria. Collection method: clinical testing. Allele origin: germline.